The following is an entry in ClinVar:

NM_000018.4(ACADVL):c.790A>G (p.Lys264Glu)

Gene: ACADVL (acyl-CoA dehydrogenase very long chain; plus strand). Cytogenetic location: 17p13.1.
Variant type: single nucleotide variant.
Coding change: c.790A>G on transcript NM_000018.4 (MANE Select); coding-DNA position 790, A replaced by G.
Protein change: p.Lys264Glu; replaces lysine 264 with glutamic acid.
Molecular consequence: missense variant.
Genome position (GRCh38, 1-based): chr17:7,222,214, A>G. VCF-style: chr17-7222214-A-G. GRCh37 (hg19) VCF-style: chr17-7125533-A-G.
Other names: NM_000018.4(ACADVL):c.790A>G; p.Lys264Glu; c.724A>G, p.Lys242Glu (NM_001033859.3); c.859A>G, p.Lys287Glu (NM_001270447.2); c.562A>G, p.Lys188Glu (NM_001270448.2); short protein forms K188E, K264E, K242E, K287E.
Identifiers: ClinVar variation 941106 (VCV000941106.13), dbSNP rs1231343685, ClinGen allele CA397723695.
Genomic context (GRCh38, chr17:7,222,214, plus strand): 5'-CTGAATATCCCATTCTTCCACAGTAATGGGGGCCTAGCAGACATCTTCACGGTCTTTGCC[A>G]AGACACCAGTTACAGATCCAGCCACAGGAGCCGTGAAGGAGAAGATCACAGCTTTTGTGG-3'
Protein context (NP_000009.1, residues 254-274): GLADIFTVFA[Lys264Glu]TPVTDPATGA

ClinVar aggregate classification (germline): Likely pathogenic. Review status: reviewed by expert panel (3 of 4 stars). 6 submissions from 6 submitters: Likely pathogenic (1). 5 of the submissions do not count toward it. Last evaluated 2023-02-14.

Conditions:
Very long chain acyl-CoA dehydrogenase deficiency (ACADVLD). Also called: VLCAD Deficiency; Very Long-Chain Acyl-Coenzyme A Dehydrogenase Deficiency. Identifiers: Orphanet 26793, MedGen C3887523, MONDO:0008723, OMIM 201475.

Allele frequency attached by ClinVar (database versions not stated): gnomAD exomes below 0.00001; gnomAD 0.00002; TOPMed 0.00002.
gnomAD v4.1: 9 of 1,613,976 alleles (0.00056%); highest among the groups gnomAD compares: East Asian, 0.02%; no homozygotes.

Submissions (6):

ClinGen ACADVL Variant Curation Expert Panel, ClinGen
Classification: Likely pathogenic for Very long chain acyl-CoA dehydrogenase deficiency. Last evaluated: 2023-02-14. Review status: reviewed by expert panel. Criteria: clingen acadvl acmg specifications v1. Collection method: curation. Allele origin: germline. Inheritance: Autosomal recessive inheritance.
Comment: The c.790A>G (NM_000018.4) variant in ACADVL is a missense variant predicted to cause substitution of lysine by glutamic acid at amino acid 264 (p.Lys264Glu). At least one patient with this variant displayed very long chain acyl-CoA dehydrogenase (VLCAD) activity <20% of normal, which is highly specific for VLCAD (PP4_Moderate, PMID: 17999356). This individual also carried a distinct pathogenic variant, though the variant was not confirmed to be in trans (PMID: 17999356; PM3_Supporting). The highest population minor allele frequency in gnomAD v2.1.1 is 0.0006 in the East Asian population, which is lower than the ClinGen ACADVL Variant Curation Expert Panel threshold (<0.001) for PM2_Supporting, meeting this criterion (PM2_Supporting). Transient transfection of this variant into fibroblasts showed reduced very long chain acyl-CoA dehydrogenase (VLCAD) activity indicating that this variant impacts protein function (PMID: 11914034; PS3_Supporting). The computational predictor REVEL gives a score of 0.871, which is above the threshold of 0.75, evidence that correlates with impact to ACADVL function (PP3). In summary, this variant meets the criteria to be classified as likely pathogenic for autosomal recessive VLCAD deficiency based on the ACMG/AMP criteria applied, as specified by the ClinGen ACADVL Variant Curation Expert Panel: PP4_Moderate, PM3_Supporting, PM2_supporting, PS3_Supporting (ACADVL VCEP specifications version 1; approved November 8, 2021).

Labcorp Genetics (formerly Invitae), Labcorp
Classification: Pathogenic for Very long chain acyl-CoA dehydrogenase deficiency. Last evaluated: 2025-11-11. Review status: criteria provided, single submitter. Criteria: Invitae Variant Classification Sherloc (09022015). Collection method: clinical testing. Allele origin: germline. Not counted in ClinVar's aggregate classification.
Comment: This sequence change replaces lysine, which is basic and polar, with glutamic acid, which is acidic and polar, at codon 264 of the ACADVL protein (p.Lys264Glu). This variant is present in population databases (no rsID available, gnomAD 0.06%). This missense change has been observed in individuals with very-long chain acyl-CoA dehydrogenase deficiency (VLCAD) (PMID: 11914034, 15210884, 17999356, 22841441). ClinVar contains an entry for this variant (Variation ID: 941106). Invitae Evidence Modeling of protein sequence and biophysical properties (such as structural, functional, and spatial information, amino acid conservation, physicochemical variation, residue mobility, and thermodynamic stability) has been performed for this missense variant. However, the output from this modeling did not meet the statistical confidence thresholds required to predict the impact of this variant on ACADVL protein function. Experimental studies have shown that this missense change affects ACADVL function (PMID: 11914034). For these reasons, this variant has been classified as Pathogenic.

Natera, Inc.
Classification: Likely pathogenic for Very long chain acyl-CoA dehydrogenase deficiency. Last evaluated: 2025-01-13. Review status: criteria provided, single submitter. Criteria: Natera Variant Classification Schema (03/2026). Collection method: clinical testing. Allele origin: germline. Not counted in ClinVar's aggregate classification.
Comment: The c.790A>G variant in ACADVL is a missense variant predicted to cause substitution of lysine to glutamic acid at amino acid 264. This variant is rare in the general population with a frequency below the threshold expected for the associated phenotype(s). This variant has been observed in one or more individuals affected with the associated recessive disease, as either homozygous or compound heterozygous with a second variant (PMID: 35400565, 32669490). Functional studies show that this variant may disrupt protein function (PMID: 11914034, 17999356). Computational prediction algorithms indicate this variant is likely to affect gene or protein function. Given the available evidence, this variant is classified as Likely Pathogenic.

Fulgent Genetics
Classification: Likely pathogenic for Very long chain acyl-CoA dehydrogenase deficiency. Last evaluated: 2024-06-13. Review status: criteria provided, single submitter. Criteria: ACMG Guidelines, 2015. Collection method: clinical testing. Allele origin: germline. Not counted in ClinVar's aggregate classification.

Baylor Genetics
Classification: Pathogenic for Very long chain acyl-CoA dehydrogenase deficiency. Last evaluated: 2023-11-06. Review status: criteria provided, single submitter. Criteria: ACMG Guidelines, 2015. Collection method: clinical testing. Allele origin: unknown. Not counted in ClinVar's aggregate classification.

Women's Health and Genetics/Laboratory Corporation of America, LabCorp
Classification: Pathogenic for Very long chain acyl-CoA dehydrogenase deficiency. Last evaluated: 2023-04-25. Review status: criteria provided, single submitter. Criteria: LabCorp Variant Classification Summary - May 2015. Collection method: clinical testing. Allele origin: germline. Not counted in ClinVar's aggregate classification.
Comment: Variant summary: ACADVL c.790A>G (p.Lys264Glu) results in a conservative amino acid change located in the Acyl-CoA oxidase/dehydrogenase, middle domain (IPR006091) of the encoded protein sequence. Four of five in-silico tools predict a damaging effect of the variant on protein function. The variant was absent in 251408 control chromosomes (gnomAD). However, it has been reported at an allele frequency of 0.000529 in 77444 Japanese population chromosomes (jMorp database). This frequency does not exceed the estimated maximal pathogenic allele frequency for a variant in ACADVL causing Very Long Chain Acyl-CoA Dehydrogenase Deficiency phenotype (0.0029 vs. 0.000529), allowing no conclusion about variant significance. c.790A>G has been reported in the literature in multiple homozygous and compound heterozygous individuals affected with Very Long Chain Acyl-CoA Dehydrogenase Deficiency (e.g. Takusa_2002, Fuseya_2020, Osawa_2022). These data indicate that the variant is very likely to be associated with disease. Experimental evidence demonstrated the variant affects protein function (Takusa_2002). The following publications have been ascertained in the context of this evaluation (PMID: 32669490, 35400565, 11914034). Two ClinVar submitters including an expert panel (ClinGen ACADVL Variant Curation Expert Panel) (evaluation after 2014) cite the variant as pathogenic/likely pathogenic. Based on the evidence outlined above, the variant was classified as pathogenic.

Literature cited by the submitters: PubMed 11914034 (cited by 3 submitters); PubMed 15210884 (cited by Labcorp Genetics (formerly Invitae), Labcorp); PubMed 17999356 (cited by Labcorp Genetics (formerly Invitae), Labcorp and Natera, Inc.); PubMed 22841441 (cited by Labcorp Genetics (formerly Invitae), Labcorp); PubMed 35400565 (cited by Natera, Inc. and Women's Health and Genetics/Laboratory Corporation of America, LabCorp); PubMed 32669490 (cited by Natera, Inc. and Women's Health and Genetics/Laboratory Corporation of America, LabCorp).